The following is an entry in ClinVar:

ClinVar aggregate classification (germline): Pathogenic (1 of 4 stars; one submission).

Conditions:
Glycine encephalopathy. Also called: Nonketotic hyperglycinemia; Non-ketotic hyperglycinemia. Identifiers: Orphanet 407, MedGen C0751748, MONDO:0011612, HP:0008288.

Submission:

Labcorp Genetics (formerly Invitae), Labcorp
Classification: Pathogenic for Glycine encephalopathy. Last evaluated: 2023-08-05. Review status: criteria provided, single submitter. Criteria: Invitae Variant Classification Sherloc (09022015). Collection method: clinical testing. Allele origin: germline.
Comment: This sequence change creates a premature translational stop signal (p.Gln228*) in the GLDC gene. It is expected to result in an absent or disrupted protein product. Loss-of-function variants in GLDC are known to be pathogenic (PMID: 16601880). This variant is not present in population databases (gnomAD no frequency). This variant has not been reported in the literature in individuals affected with GLDC-related conditions. For these reasons, this variant has been classified as Pathogenic.

Literature cited by the submitters: PubMed 16601880.

NM_000170.3(GLDC):c.682C>T (p.Gln228Ter)

Gene: GLDC (glycine decarboxylase; minus strand). Cytogenetic location: 9p24.1.
Variant type: single nucleotide variant.
Coding change: c.682C>T on transcript NM_000170.3 (MANE Select); coding-DNA position 682, C replaced by T.
Protein change: p.Gln228Ter; replaces glutamine 228 with a stop codon.
Molecular consequence: nonsense.
Genome position (GRCh38, 1-based): chr9:6,606,623, G>A on the plus strand (C>T on the coding strand, the complement: GLDC is on the minus strand). VCF-style: chr9-6606623-G-A. GRCh37 (hg19) VCF-style: chr9-6606623-G-A.
Other names: short protein forms Q228*.
Identifiers: ClinVar variation 2750445 (VCV002750445.3), dbSNP rs2489106447, ClinGen allele CA372897505.